The following is an entry in ClinVar:

ClinVar aggregate classification (germline): Conflicting classifications of pathogenicity. Review status: criteria provided, conflicting classifications (1 of 4 stars). 2 submissions from 2 submitters: Uncertain significance (1); Likely benign (1). Last evaluated 2023-03-23.

Conditions:
Hereditary cancer-predisposing syndrome. Also called: Tumor predisposition; Hereditary neoplastic syndrome; Hereditary Cancer Syndrome; Neoplastic Syndromes, Hereditary. Identifiers: Orphanet 140162, MedGen C0027672, MeSH D009386, MONDO:0015356.
Hereditary breast ovarian cancer syndrome. Also called: Hereditary breast and ovarian cancer; Breast and ovarian cancer; BRCA1- and BRCA2-Associated Hereditary Breast and Ovarian Cancer; Hereditary breast and/or ovarian cancer syndrome; Hereditary breast and ovarian cancer syndrome; Hereditary breast and ovarian cancer syndrome (HBOC). Identifiers: Orphanet 145, MedGen C0677776, MeSH D061325, MONDO:0003582. Disease mechanism: loss of function.

Submissions (2):

University of Washington Department of Laboratory Medicine, University of Washington
Classification: Likely benign for Hereditary cancer-predisposing syndrome. Last evaluated: 2023-03-23. Review status: criteria provided, single submitter. Criteria: Dines et al. (Genet Med. 2020). Collection method: curation. Allele origin: germline.
Comment: Missense variant in a coldspot region where missense variants are very unlikely to be pathogenic (PMID:31911673).

BRCA2 exon 11 coldspot. Reclassification based on statistical prior probability.

Labcorp Genetics (formerly Invitae), Labcorp
Classification: Uncertain significance for Hereditary breast ovarian cancer syndrome. Last evaluated: 2021-08-08. Review status: criteria provided, single submitter. Criteria: Invitae Variant Classification Sherloc (09022015). Collection method: clinical testing. Allele origin: germline.
Comment: This variant is not present in population databases (ExAC no frequency). This sequence change replaces serine with cysteine at codon 1650 of the BRCA2 protein (p.Ser1650Cys). The serine residue is weakly conserved and there is a moderate physicochemical difference between serine and cysteine. This variant has not been reported in the literature in individuals affected with BRCA2-related conditions. In summary, the available evidence is currently insufficient to determine the role of this variant in disease. Therefore, it has been classified as a Variant of Uncertain Significance. Advanced modeling of protein sequence and biophysical properties (such as structural, functional, and spatial information, amino acid conservation, physicochemical variation, residue mobility, and thermodynamic stability) performed at Invitae indicates that this missense variant is not expected to disrupt BRCA2 protein function.

NM_000059.4(BRCA2):c.4948A>T (p.Ser1650Cys)

Gene: BRCA2 (BRCA2 DNA repair associated; plus strand). Cytogenetic location: 13q13.1.
Variant type: single nucleotide variant.
Coding change: c.4948A>T on transcript NM_000059.4 (MANE Select); coding-DNA position 4948, A replaced by T.
Protein change: p.Ser1650Cys; replaces serine 1650 with cysteine.
Molecular consequence: missense variant.
Genome position (GRCh38, 1-based): chr13:32,339,303, A>T. VCF-style: chr13-32339303-A-T. GRCh37 (hg19) VCF-style: chr13-32913440-A-T.
Other names: short protein forms S1650C.
Identifiers: ClinVar variation 1464375 (VCV001464375.7), dbSNP rs2137511971, ClinGen allele CA387783742.